The following is an entry in ClinVar:

NM_152490.5(B3GALNT2):c.1279G>T (p.Ala427Ser)

Gene: B3GALNT2 (beta-1,3-N-acetylgalactosaminyltransferase 2; minus strand). Cytogenetic location: 1q42.3.
Variant type: single nucleotide variant.
Coding change: c.1279G>T on transcript NM_152490.5 (MANE Select); coding-DNA position 1279, G replaced by T.
Protein change: p.Ala427Ser; replaces alanine 427 with serine.
Molecular consequence: missense variant.
Genome position (GRCh38, 1-based): chr1:235,454,188, C>A on the plus strand (G>T on the coding strand, the complement: B3GALNT2 is on the minus strand). VCF-style: chr1-235454188-C-A. GRCh37 (hg19) VCF-style: chr1-235617500-C-A.
Other names: short protein forms A427S.
Identifiers: ClinVar variation 1421410 (VCV001421410.6), dbSNP rs773466522, ClinGen allele CA1464643.
Genomic context (GRCh38, chr1:235,454,188, plus strand): 5'-CACGCCAAGCTAAGAAATTCTTAATTACCTGATAGGTCTTTAACCTCCCCGAGTTGCTTG[C>A]CAGCCACTTGACGATGTCCTTGGAGATCACATATCCTGACCCACATGCAAAGGCAGGGTA-3'
Protein context (NP_689703.1, residues 417-437): VISKDIVKWL[Ala427Ser]SNSGRLKTYQ

ClinVar aggregate classification (germline): Uncertain significance (1 of 4 stars; one submission).

Conditions:
Muscular dystrophy-dystroglycanopathy (congenital with brain and eye anomalies), type a, 11 (MDDGA11). Also called: WALKER-WARBURG SYNDROME OR MUSCLE-EYE-BRAIN DISEASE, B3GALNT2-RELATED; Congenital muscular dystrophy-dystroglycanopathy with brain and eye anomalies, type A11; Muscular dystrophy-dystroglycanopathy (congenital with brain and eye anomalies, type A, 11. Identifiers: Orphanet 588, Orphanet 899, MedGen C3554638, MONDO:0014071, OMIM 615181.

Allele frequency attached by ClinVar (database versions not stated): gnomAD exomes below 0.00001; ExAC 0.00001.

Submission:

Labcorp Genetics (formerly Invitae), Labcorp
Classification: Uncertain significance for Muscular dystrophy-dystroglycanopathy (congenital with brain and eye anomalies), type a, 11. Last evaluated: 2022-03-11. Review status: criteria provided, single submitter. Criteria: Invitae Variant Classification Sherloc (09022015). Collection method: clinical testing. Allele origin: germline.
Comment: This sequence change replaces alanine, which is neutral and non-polar, with serine, which is neutral and polar, at codon 427 of the B3GALNT2 protein (p.Ala427Ser). The frequency data for this variant in the population databases is considered unreliable, as metrics indicate poor data quality at this position in the gnomAD database. This variant has not been reported in the literature in individuals affected with B3GALNT2-related conditions. Algorithms developed to predict the effect of missense changes on protein structure and function are either unavailable or do not agree on the potential impact of this missense change (SIFT: "Tolerated"; PolyPhen-2: "Possibly Damaging"; Align-GVGD: "Class C0"). In summary, the available evidence is currently insufficient to determine the role of this variant in disease. Therefore, it has been classified as a Variant of Uncertain Significance.